The following is an entry in ClinVar:

NM_000553.6(WRN):c.1605G>C (p.Glu535Asp)

Gene: WRN (WRN RecQ like helicase; plus strand). Cytogenetic location: 8p12.
Variant type: single nucleotide variant.
Coding change: c.1605G>C on transcript NM_000553.6 (MANE Select); coding-DNA position 1605, G replaced by C.
Protein change: p.Glu535Asp; replaces glutamic acid 535 with aspartic acid.
Molecular consequence: missense variant.
Genome position (GRCh38, 1-based): chr8:31,088,918, G>C. VCF-style: chr8-31088918-G-C. GRCh37 (hg19) VCF-style: chr8-30946434-G-C.
Other names: short protein forms E535D.
Identifiers: ClinVar variation 663855 (VCV000663855.3), dbSNP rs1585438150, ClinGen allele CA370926252.

ClinVar aggregate classification (germline): Uncertain significance (1 of 4 stars; one submission).

Conditions:
Werner syndrome (WRN). Identifiers: Orphanet 902, MedGen C0043119, MONDO:0010196, OMIM 277700.

Submission:

Labcorp Genetics (formerly Invitae), Labcorp
Classification: Uncertain significance for Werner syndrome. Last evaluated: 2023-08-08. Review status: criteria provided, single submitter. Criteria: Invitae Variant Classification Sherloc (09022015). Collection method: clinical testing. Allele origin: germline.
Comment: This sequence change replaces glutamic acid, which is acidic and polar, with aspartic acid, which is acidic and polar, at codon 535 of the WRN protein (p.Glu535Asp). This variant is not present in population databases (gnomAD no frequency). In summary, the available evidence is currently insufficient to determine the role of this variant in disease. Therefore, it has been classified as a Variant of Uncertain Significance. An algorithm developed to predict the effect of missense changes on protein structure and function (PolyPhen-2) suggests that this variant¬†is likely to be tolerated. ClinVar contains an entry for this variant (Variation ID: 663855). This variant has not been reported in the literature in individuals affected with WRN-related conditions.